The following is an entry in ClinVar:

NM_006059.4(LAMC3):c.786G>A (p.Val262=)

Gene: LAMC3 (laminin subunit gamma 3; plus strand). Cytogenetic location: 9q34.12.
Variant type: single nucleotide variant.
Coding change: c.786G>A on transcript NM_006059.4 (MANE Select); coding-DNA position 786, G replaced by A.
Protein change: p.Val262=; no amino-acid change (valine 262 retained).
Molecular consequence: synonymous variant.
Genome position (GRCh38, 1-based): chr9:131,032,152, G>A. VCF-style: chr9-131032152-G-A. GRCh37 (hg19) VCF-style: chr9-133907539-G-A.
Identifiers: ClinVar variation 129473 (VCV000129473.16), dbSNP rs2275133, ClinGen allele CA153512.

ClinVar aggregate classification (germline): Benign. Review status: criteria provided, multiple submitters, no conflicts (2 of 4 stars). 4 submissions from 4 submitters: Benign (3). 1 of the submissions does not count toward it. Last evaluated 2026-01-26.

Allele frequency attached by ClinVar (database versions not stated): ESP Exome Variant Server 0.00092; TOPMed 0.00287; gnomAD exomes 0.00365 and 0.00885; gnomAD 0.00543 and 0.00588; ExAC 0.00788; 1000 Genomes Project 30x 0.00953; 1000 Genomes Project 0.01078.
gnomAD v4.1: 6,265 of 1,609,944 alleles (0.39%); highest among the groups gnomAD compares: East Asian, 5.3%; 140 homozygotes.

Submissions (4):

Labcorp Genetics (formerly Invitae), Labcorp
Classification: Benign. Last evaluated: 2026-01-26. Review status: criteria provided, single submitter. Criteria: Invitae Variant Classification Sherloc (09022015). Collection method: clinical testing. Allele origin: germline.

GeneDx
Classification: Benign. Last evaluated: 2016-03-09. Review status: criteria provided, single submitter. Criteria: GeneDx Variant Classification (06012015). Collection method: clinical testing. Allele origin: germline. Affected: yes.
Comment: This variant is considered likely benign or benign based on one or more of the following criteria: it is a conservative change, it occurs at a poorly conserved position in the protein, it is predicted to be benign by multiple in silico algorithms, and/or has population frequency not consistent with disease.

Breakthrough Genomics
Classification: Benign. Review status: criteria provided, single submitter. Criteria: ACMG Guidelines, 2015. Collection method: not provided. Allele origin: germline. Inheritance: Autosomal recessive inheritance. Affected: yes.

Genetic Services Laboratory, University of Chicago
Classification: Likely benign for AllHighlyPenetrant. Review status: no assertion criteria provided. Collection method: clinical testing. Allele origin: germline. Inheritance: X-linked inheritance. Not counted in ClinVar's aggregate classification.
Comment: Likely benign based on allele frequency in 1000 Genomes Project or ESP global frequency and its presence in a patient with a rare or unrelated disease phenotype. NOT Sanger confirmed.